The following is an entry in ClinVar:

NM_000770.3(CYP2C8):c.416G>A (p.Arg139Lys)

Gene: CYP2C8 (cytochrome P450 family 2 subfamily C member 8; minus strand). Cytogenetic location: 10q23.33.
Variant type: single nucleotide variant.
Coding change: c.416G>A on transcript NM_000770.3 (MANE Select); coding-DNA position 416, G replaced by A.
Protein change: p.Arg139Lys; replaces arginine 139 with lysine.
Molecular consequence: missense variant.
Genome position (GRCh38, 1-based): chr10:95,067,273, C>T on the plus strand (G>A on the coding strand, the complement: CYP2C8 is on the minus strand). VCF-style: chr10-95067273-C-T. GRCh37 (hg19) VCF-style: chr10-96827030-C-T.
Other names: c.206G>A, p.Arg69Lys (NM_001198853.1, NM_001198855.1); c.110G>A, p.Arg37Lys (NM_001198854.1); short protein forms R139K, R37K, R69K.
Identifiers: ClinVar variation 545635 (VCV000545635.3), dbSNP rs11572080, ClinGen allele CA5617795.
Genomic context (GRCh38, chr10:95,067,273, plus strand): 5'-GTTTTTCTCAACTCCTCCACAAGGCAGTGAGCTTCCTCTTGAACACGGTCCTCAATGCTC[C>T]TCTTCCCCATCCCAAAATTCCGCAAGGTTGTGAGGGAGAAACGCCGGATCTCCTTCCATC-3'
Protein context (NP_000761.3, residues 129-149): TTLRNFGMGK[Arg139Lys]SIEDRVQEEA

ClinVar aggregate classification (germline): Benign (0 of 4 stars; one submission).

Conditions:
CYP2C8-related disorder. Also called: CYP2C8-related condition.

Allele frequency attached by ClinVar (database versions not stated): 1000 Genomes Project 0.04573; 1000 Genomes Project 30x 0.04778; TOPMed 0.07576; gnomAD 0.07898 and 0.08109; ExAC 0.08256; gnomAD exomes 0.08337 and 0.10620; ESP Exome Variant Server 0.08535.
gnomAD v4.1: 166,794 of 1,614,040 alleles (10%); highest among the groups gnomAD compares: Middle Eastern, 12%; 9,726 homozygotes.

Submission:

PreventionGenetics, part of Exact Sciences
Classification: Benign for CYP2C8-related condition. Last evaluated: 2019-10-29. Review status: no assertion criteria provided. Collection method: clinical testing. Allele origin: germline.
Comment: This variant is classified as benign based on ACMG/AMP sequence variant interpretation guidelines (Richards et al. 2015 PMID: 25741868, with internal and published modifications).